The following is an entry in ClinVar:

NM_004539.4(NARS1):c.1213G>A (p.Val405Ile)

Gene: NARS1 (asparaginyl-tRNA synthetase 1; minus strand). Cytogenetic location: 18q21.31.
Variant type: single nucleotide variant.
Coding change: c.1213G>A on transcript NM_004539.4 (MANE Select); coding-DNA position 1213, G replaced by A.
Protein change: p.Val405Ile; replaces valine 405 with isoleucine.
Molecular consequence: missense variant.
Genome position (GRCh38, 1-based): chr18:57,605,895, C>T on the plus strand (G>A on the coding strand, the complement: NARS1 is on the minus strand). VCF-style: chr18-57605895-C-T. GRCh37 (hg19) VCF-style: chr18-55273127-C-T.
Other names: short protein forms V405I.
Identifiers: ClinVar variation 3175626 (VCV003175626.3), dbSNP rs149120526, ClinGen allele CA8973485.
Genomic context (GRCh38, chr18:57,605,895, plus strand): 5'-AATGAGAGAAAGGGATACATACTTCTCCAAATTCATAGAAAGTTCCATCTTCTTTCTTTA[C>T]ATCATGTTCTTTTAGCCAAACGATAGCATCTGAATAGTTCATCCGTTTGAAAGGCCGTTT-3'
Protein context (NP_004530.1, residues 395-415): DAIVWLKEHD[Val405Ile]KKEDGTFYEF

ClinVar aggregate classification (germline): Conflicting classifications of pathogenicity. Review status: criteria provided, conflicting classifications (1 of 4 stars). 3 submissions from 3 submitters: Uncertain significance (2); Likely benign (1). Last evaluated 2024-02-07.

Conditions:
Neurodevelopmental disorder with microcephaly, impaired language, and gait abnormalities. Identifiers: MedGen C5436783, MONDO:0100348, OMIM 619091.

Allele frequency attached by ClinVar (database versions not stated): ExAC 0.00009; TOPMed 0.00012; gnomAD 0.00013; ESP Exome Variant Server 0.00038.
gnomAD v4.1: 561 of 1,612,480 alleles (0.035%); highest among the groups gnomAD compares: Non-Finnish European, 0.045%; 1 homozygote.

Submissions (3):

GeneDx
Classification: Uncertain significance. Last evaluated: 2024-02-07. Review status: criteria provided, single submitter. Criteria: GeneDx Variant Classification Process June 2021. Collection method: clinical testing. Allele origin: germline. Affected: yes.
Comment: In silico analysis supports that this missense variant does not alter protein structure/function; Has not been previously published as pathogenic or benign to our knowledge

Ambry Genetics
Classification: Likely benign. Last evaluated: 2023-12-26. Review status: criteria provided, single submitter. Criteria: Ambry Variant Classification Scheme 2023. Collection method: clinical testing. Allele origin: germline.

Department of Pathology and Laboratory Medicine, Sinai Health System
Classification: Uncertain significance for neurodevelopmental disorder with microcephaly, impaired language, and gait abnormalities. Last evaluated: 2022-06-21. Review status: criteria provided, single submitter. Criteria: ACMG Guidelines, 2015. Collection method: research. Allele origin: germline.